The following is an entry in ClinVar:

NM_001364905.1(LRBA):c.2876C>G (p.Ser959Cys)

Gene: LRBA (LPS responsive beige-like anchor protein; minus strand). Cytogenetic location: 4q31.3.
Variant type: single nucleotide variant.
Coding change: c.2876C>G on transcript NM_001364905.1 (MANE Select); coding-DNA position 2876, C replaced by G.
Protein change: p.Ser959Cys; replaces serine 959 with cysteine.
Molecular consequence: missense variant.
Genome position (GRCh38, 1-based): chr4:150,852,834, G>C on the plus strand (C>G on the coding strand, the complement: LRBA is on the minus strand). VCF-style: chr4-150852834-G-C. GRCh37 (hg19) VCF-style: chr4-151773986-G-C.
Other names: c.2876C>G, p.Ser959Cys (NM_001199282.3, NM_001367550.1, NM_006726.5); short protein forms S959C.
Identifiers: ClinVar variation 1356245 (VCV001356245.8), dbSNP rs2126923899, ClinGen allele CA358460303.
Genomic context (GRCh38, chr4:150,852,834, plus strand): 5'-GAATCCTTCGTATCTGGTTGCTGGGATCCTACTGAAACATTAATATCCCTTCTAATGCCA[G>C]AGGCTGCTTGAACTGAAGTTGAAGAACACAGCCCTATTTCTTCATCAACTTTTCCTTGCT-3'
Protein context (NP_001351834.1, residues 949-969): LCSSTSVQAA[Ser959Cys]GIRRDINVSV

ClinVar aggregate classification (germline): Uncertain significance (1 of 4 stars; one submission).

Conditions:
Combined immunodeficiency due to LRBA deficiency. Also called: Common variable immunodeficiency 8, with autoimmunity. Identifiers: Orphanet 445018, MedGen C3553512, MONDO:0013863, OMIM 614700.

Submission:

Labcorp Genetics (formerly Invitae), Labcorp
Classification: Uncertain significance for Combined immunodeficiency due to LRBA deficiency. Last evaluated: 2022-07-19. Review status: criteria provided, single submitter. Criteria: Invitae Variant Classification Sherloc (09022015). Collection method: clinical testing. Allele origin: germline.
Comment: This sequence change replaces serine, which is neutral and polar, with cysteine, which is neutral and slightly polar, at codon 959 of the LRBA protein (p.Ser959Cys). In summary, the available evidence is currently insufficient to determine the role of this variant in disease. Therefore, it has been classified as a Variant of Uncertain Significance. Algorithms developed to predict the effect of missense changes on protein structure and function are either unavailable or do not agree on the potential impact of this missense change (SIFT: "Deleterious"; PolyPhen-2: "Benign"; Align-GVGD: "Class C0"). ClinVar contains an entry for this variant (Variation ID: 1356245). This variant has not been reported in the literature in individuals affected with LRBA-related conditions. This variant is not present in population databases (gnomAD no frequency).